The following is an entry in ClinVar:

ClinVar aggregate classification (germline): Uncertain significance (0 of 4 stars; one submission).

Conditions:
LZTFL1-related disorder. Also called: LZTFL1-related condition.

Submission:

PreventionGenetics, part of Exact Sciences
Classification: Uncertain significance for LZTFL1-related condition. Last evaluated: 2024-02-27. Review status: no assertion criteria provided. Collection method: clinical testing. Allele origin: germline.
Comment: The LZTFL1 c.395A>G variant is predicted to result in the amino acid substitution p.Asp132Gly. To our knowledge, this variant has not been reported in the literature or in a large population database, indicating this variant is rare. At this time, the clinical significance of this variant is uncertain due to the absence of conclusive functional and genetic evidence.

NM_020347.4(LZTFL1):c.395A>G (p.Asp132Gly)

Gene: LZTFL1 (leucine zipper transcription factor like 1; minus strand). Cytogenetic location: 3p21.31.
Variant type: single nucleotide variant.
Coding change: c.395A>G on transcript NM_020347.4 (MANE Select); coding-DNA position 395, A replaced by G.
Protein change: p.Asp132Gly; replaces aspartic acid 132 with glycine.
Molecular consequence: missense variant. On other transcripts: non-coding transcript variant (2).
Genome position (GRCh38, 1-based): chr3:45,833,111, T>C on the plus strand (A>G on the coding strand, the complement: LZTFL1 is on the minus strand). VCF-style: chr3-45833111-T-C. GRCh37 (hg19) VCF-style: chr3-45874603-T-C.
Other names: c.344A>G, p.Asp115Gly (NM_001276378.2, NM_001386451.1, NM_001405922.1 and 4 more transcripts); c.383A>G, p.Asp128Gly (NM_001276379.2, NM_001405921.1); c.395A>G, p.Asp132Gly (NM_001386452.1, NM_001405924.1); c.419A>G, p.Asp140Gly (NM_001405920.1, NM_001405925.1); short protein forms D115G, D128G, D132G, D140G.
Identifiers: ClinVar variation 3349533 (VCV003349533.1).